The following is an entry in ClinVar:

NM_001128148.3(TFRC):c.1881A>C (p.Gln627His)

Gene: TFRC (transferrin receptor; minus strand). Cytogenetic location: 3q29.
Variant type: single nucleotide variant.
Coding change: c.1881A>C on transcript NM_001128148.3 (MANE Select); coding-DNA position 1881, A replaced by C.
Protein change: p.Gln627His; replaces glutamine 627 with histidine.
Molecular consequence: missense variant.
Genome position (GRCh38, 1-based): chr3:196,055,098, T>G on the plus strand (A>C on the coding strand, the complement: TFRC is on the minus strand). VCF-style: chr3-196055098-T-G. GRCh37 (hg19) VCF-style: chr3-195781969-T-G.
Other names: c.1638A>C, p.Gln546His (NM_001313965.2); c.1035A>C, p.Gln345His (NM_001313966.2); c.1881A>C, p.Gln627His (NM_003234.4); short protein forms Q627H, Q345H, Q546H.
Identifiers: ClinVar variation 1493190 (VCV001493190.8), dbSNP rs1716659986, ClinGen allele CA355562115.

ClinVar aggregate classification (germline): Uncertain significance (1 of 4 stars; one submission).

Submission:

Labcorp Genetics (formerly Invitae), Labcorp
Classification: Uncertain significance. Last evaluated: 2021-05-21. Review status: criteria provided, single submitter. Criteria: Invitae Variant Classification Sherloc (09022015). Collection method: clinical testing. Allele origin: germline.
Comment: In summary, the available evidence is currently insufficient to determine the role of this variant in disease. Therefore, it has been classified as a Variant of Uncertain Significance. Algorithms developed to predict the effect of missense changes on protein structure and function (SIFT, PolyPhen-2, Align-GVGD) all suggest that this variant is likely to be tolerated, but these predictions have not been confirmed by published functional studies and their clinical significance is uncertain. This variant has not been reported in the literature in individuals with TFRC-related conditions. This variant is not present in population databases (ExAC no frequency). This sequence change replaces glutamine with histidine at codon 627 of the TFRC protein (p.Gln627His). The glutamine residue is weakly conserved and there is a small physicochemical difference between glutamine and histidine.